The following is an entry in ClinVar:

ClinVar aggregate classification (germline): Uncertain significance (1 of 4 stars; one submission).

Submission:

GeneDx
Classification: Uncertain significance. Last evaluated: 2025-06-11. Review status: criteria provided, single submitter. Criteria: GeneDx Variant Classification Process June 2021. Collection method: clinical testing. Allele origin: germline. Affected: yes.
Comment: Not observed at significant frequency in large population cohorts (gnomAD); In silico analysis supports that this missense variant has a deleterious effect on protein structure/function; Has not been previously published as pathogenic or benign to our knowledge; This variant is associated with the following publications: (PMID: 30343943)

NM_001205293.3(CACNA1E):c.2075A>C (p.Tyr692Ser)

Gene: CACNA1E (calcium voltage-gated channel subunit alpha1 E; plus strand). Cytogenetic location: 1q25.3.
Variant type: single nucleotide variant.
Coding change: c.2075A>C on transcript NM_001205293.3 (MANE Select); coding-DNA position 2075, A replaced by C.
Protein change: p.Tyr692Ser; replaces tyrosine 692 with serine.
Molecular consequence: missense variant.
Genome position (GRCh38, 1-based): chr1:181,724,470, A>C. VCF-style: chr1-181724470-A-C. GRCh37 (hg19) VCF-style: chr1-181693606-A-C.
Other names: c.2075A>C, p.Tyr692Ser (NM_000721.4, NM_001205294.2); short protein forms Y692S.
Identifiers: ClinVar variation 4538000 (VCV004538000.1).